The following is an entry in ClinVar:

ClinVar aggregate classification (germline): Uncertain significance (1 of 4 stars; one submission).

Conditions:
Primary ciliary dyskinesia. Also called: Ciliary dyskinesia. Identifiers: Orphanet 244, MedGen C0008780, MONDO:0016575, HP:0012265.

Allele frequency attached by ClinVar (database versions not stated): gnomAD exomes 0.00001; TOPMed 0.00001.
gnomAD v4.1: 13 of 1,614,062 alleles (0.00081%); highest among the groups gnomAD compares: South Asian, 0.0033%; no homozygotes.

Submission:

Labcorp Genetics (formerly Invitae), Labcorp
Classification: Uncertain significance for Primary ciliary dyskinesia. Last evaluated: 2021-03-10. Review status: criteria provided, single submitter. Criteria: Invitae Variant Classification Sherloc (09022015). Collection method: clinical testing. Allele origin: germline.
Comment: This sequence change replaces arginine with histidine at codon 279 of the DNAAF5 protein (p.Arg279His). The arginine residue is highly conserved and there is a small physicochemical difference between arginine and histidine. This variant is not present in population databases (ExAC no frequency) and has not been reported in the literature in individuals with a DNAAF5-related disease. Algorithms developed to predict the effect of missense changes on protein structure and function do not agree on the potential impact of this missense change (SIFT: "Deleterious"; PolyPhen-2: "Probably Damaging"; Align-GVGD: "Class C0"). In summary, this variant is a novel missense change with uncertain impact on protein function. It has been classified as a Variant of Uncertain Significance.

NM_017802.4(DNAAF5):c.836G>A (p.Arg279His)

Gene: DNAAF5 (dynein axonemal assembly factor 5; plus strand). Cytogenetic location: 7p22.3.
Variant type: single nucleotide variant.
Coding change: c.836G>A on transcript NM_017802.4 (MANE Select); coding-DNA position 836, G replaced by A.
Protein change: p.Arg279His; replaces arginine 279 with histidine.
Molecular consequence: missense variant. On other transcripts: non-coding transcript variant (1).
Genome position (GRCh38, 1-based): chr7:740,874, G>A. VCF-style: chr7-740874-G-A. GRCh37 (hg19) VCF-style: chr7-780511-G-A.
Other names: short protein forms R279H.
Identifiers: ClinVar variation 410305 (VCV000410305.9), dbSNP rs978606639, ClinGen allele CA16612247.